The following is an entry in ClinVar:

NM_015335.5(MED13L):c.6331del (p.Gln2111fs)

Gene: MED13L (mediator complex subunit 13L; minus strand). Cytogenetic location: 12q24.21.
Variant type: Deletion.
Coding change: c.6331del on transcript NM_015335.5 (MANE Select); coding-DNA position 6331, one base deleted (C; older notation c.6331delC).
Protein change: p.Gln2111fs; shifts the reading frame from glutamine 2111.
Molecular consequence: frameshift variant.
Genome position (GRCh38, 1-based): chr12:115,966,138, G deleted on the plus strand (C on the coding strand, the reverse complement: MED13L is on the minus strand); the first of 4 consecutive G bases (chr12:115,966,138-115,966,141); deleting any one gives the same sequence. VCF-style (leftmost placement, unchanged base first): chr12-115966137-TG-T. GRCh37 (hg19) VCF-style: chr12-116403942-TG-T.
Other names: short protein forms Q2111fs.
Identifiers: ClinVar variation 2580165 (VCV002580165.3), dbSNP rs2499956196, ClinGen allele CA2580617973.

ClinVar aggregate classification (germline): Pathogenic. Review status: criteria provided, multiple submitters, no conflicts (2 of 4 stars). 2 submissions from 2 submitters: Pathogenic (2). Last evaluated 2026-01-07.

Conditions:
Cardiac anomalies - developmental delay - facial dysmorphism syndrome (MRFACD). Also called: Impaired intellectual development and distinctive facial features with or without cardiac defects; MED13L Syndrome. Identifiers: Orphanet 369891, MedGen C5192431, MONDO:0014773, OMIM 616789.

Submissions (2):

3billion
Classification: Pathogenic for Cardiac anomalies - developmental delay - facial dysmorphism syndrome. Last evaluated: 2026-01-07. Review status: criteria provided, single submitter. Criteria: ACMG Guidelines, 2015. Collection method: clinical testing. Allele origin: germline. Affected: yes.
Comment: The variant is not observed in the gnomAD v4.1.0 dataset. Predicted Consequence/Location: Frameshift: predicted to result in a loss or disruption of normal protein function through nonsense-mediated decay (NMD) or protein truncation. Multiple pathogenic variants are reported downstream of the variant. The variant has been reported to be associated with MED13L-related disorder (ClinVar ID: VCV002580165). Therefore, this variant is classified as Pathogenic according to the recommendation of ACMG/AMP guideline.

Laboratory of genome editing, Research Centre for Medical Genetics
Classification: Pathogenic for Cardiac anomalies - developmental delay - facial dysmorphism syndrome. Last evaluated: 2023-09-20. Review status: criteria provided, single submitter. Criteria: ACMG Guidelines, 2015. Collection method: clinical testing. Allele origin: de novo. Affected: yes. Observed: 2 variant alleles, 2 heterozygotes. Clinical features observed: Intellectual disability (HP:0001249), Motor delay (HP:0001270), Strabismus (HP:0000486).
Comment: PVS1, PS2, PM2

Literature cited by the submitters: PubMed 35887114 (cited by Laboratory of genome editing, Research Centre for Medical Genetics).